The following is an entry in ClinVar:

NM_182943.3(PLOD2):c.1940T>C (p.Ile647Thr)

Gene: PLOD2 (procollagen-lysine,2-oxoglutarate 5-dioxygenase 2; minus strand). Cytogenetic location: 3q24.
Variant type: single nucleotide variant.
Coding change: c.1940T>C on transcript NM_182943.3 (MANE Select); coding-DNA position 1940, T replaced by C.
Protein change: p.Ile647Thr; replaces isoleucine 647 with threonine.
Molecular consequence: missense variant.
Genome position (GRCh38, 1-based): chr3:146,071,332, A>G on the plus strand (T>C on the coding strand, the complement: PLOD2 is on the minus strand). VCF-style: chr3-146071332-A-G. GRCh37 (hg19) VCF-style: chr3-145789119-A-G.
Other names: c.1877T>C, p.Ile626Thr (NM_000935.3); short protein forms I626T, I647T.
Identifiers: ClinVar variation 2154014 (VCV002154014.2), dbSNP rs535406800, ClinGen allele CA2654727.
Genomic context (GRCh38, chr3:146,071,332, plus strand): 5'-ACTACCTTCGTATAATAGCCTGCAAAGACCTTCAGTGTAACTGGTGCAATGAACTCCCGG[A>G]TAAAATGAAGCCATACATTCTCCAGATCAACTTGCTTCATGTGGATATCATCAGTTGGGA-3'
Protein context (NP_891988.1, residues 637-657): VDLENVWLHF[Ile647Thr]REFIAPVTLK

ClinVar aggregate classification (germline): Uncertain significance (1 of 4 stars; one submission).

Allele frequency attached by ClinVar (database versions not stated): TOPMed 0.00001; gnomAD 0.00010; gnomAD exomes 0.00014; ExAC 0.00036; 1000 Genomes Project 30x 0.00078; 1000 Genomes Project 0.00080.
gnomAD v4.1: 221 of 1,612,330 alleles (0.014%); highest among the groups gnomAD compares: South Asian, 0.23%; 1 homozygote.

Submission:

Labcorp Genetics (formerly Invitae), Labcorp
Classification: Uncertain significance. Last evaluated: 2022-08-09. Review status: criteria provided, single submitter. Criteria: Invitae Variant Classification Sherloc (09022015). Collection method: clinical testing. Allele origin: germline.
Comment: In summary, the available evidence is currently insufficient to determine the role of this variant in disease. Therefore, it has been classified as a Variant of Uncertain Significance. Algorithms developed to predict the effect of missense changes on protein structure and function are either unavailable or do not agree on the potential impact of this missense change (SIFT: "Deleterious"; PolyPhen-2: "Possibly Damaging"; Align-GVGD: "Class C0"). This variant has not been reported in the literature in individuals affected with PLOD2-related conditions. The frequency data for this variant in the population databases is considered unreliable, as metrics indicate poor data quality at this position in the gnomAD database. This sequence change replaces isoleucine, which is neutral and non-polar, with threonine, which is neutral and polar, at codon 647 of the PLOD2 protein (p.Ile647Thr).